The following is an entry in ClinVar:

ClinVar aggregate classification (germline): Uncertain significance. Review status: criteria provided, multiple submitters, no conflicts (2 of 4 stars). 3 submissions from 3 submitters: Uncertain significance (3). Last evaluated 2025-04-28.

Allele frequency attached by ClinVar (database versions not stated): gnomAD exomes below 0.00001 and 0.00001; ExAC 0.00002; gnomAD 0.00005 and 0.00006; TOPMed 0.00005.
gnomAD v4.1: 9 of 1,613,384 alleles (0.00056%); highest among the groups gnomAD compares: African/African-American, 0.012%; no homozygotes.

Submissions (3):

GeneDx
Classification: Uncertain significance. Last evaluated: 2025-04-28. Review status: criteria provided, single submitter. Criteria: GeneDx Variant Classification Process June 2021. Collection method: clinical testing. Allele origin: germline. Affected: yes.
Comment: In silico analysis indicates that this missense variant does not alter protein structure/function; Has not been previously published as pathogenic or benign to our knowledge

Blueprint Genetics
Classification: Uncertain significance. Last evaluated: 2021-08-25. Review status: criteria provided, single submitter. Criteria: ACMG Guidelines, 2015. Collection method: clinical testing. Allele origin: germline.

Labcorp Genetics (formerly Invitae), Labcorp
Classification: Uncertain significance. Last evaluated: 2021-03-28. Review status: criteria provided, single submitter. Criteria: Invitae Variant Classification Sherloc (09022015). Collection method: clinical testing. Allele origin: germline.
Comment: In summary, the available evidence is currently insufficient to determine the role of this variant in disease. Therefore, it has been classified as a Variant of Uncertain Significance. Algorithms developed to predict the effect of missense changes on protein structure and function (SIFT, PolyPhen-2, Align-GVGD) all suggest that this variant is likely to be tolerated, but these predictions have not been confirmed by published functional studies and their clinical significance is uncertain. This variant has not been reported in the literature in individuals with WHRN-related conditions. This variant is present in population databases (rs748473403, ExAC 0.02%). This sequence change replaces proline with serine at codon 599 of the WHRN protein (p.Pro599Ser). The proline residue is weakly conserved and there is a moderate physicochemical difference between proline and serine.

NM_015404.4(WHRN):c.1795C>T (p.Pro599Ser)

Gene: WHRN (whirlin; minus strand). Cytogenetic location: 9q32.
Variant type: single nucleotide variant.
Coding change: c.1795C>T on transcript NM_015404.4 (MANE Select); coding-DNA position 1795, C replaced by T.
Protein change: p.Pro599Ser; replaces proline 599 with serine.
Molecular consequence: missense variant.
Genome position (GRCh38, 1-based): chr9:114,406,796, G>A on the plus strand (C>T on the coding strand, the complement: WHRN is on the minus strand). VCF-style: chr9-114406796-G-A. GRCh37 (hg19) VCF-style: chr9-117169076-G-A.
Other names: c.1795C>T (NM_015404.2); c.646C>T, p.Pro216Ser (NM_001083885.3); c.1795C>T, p.Pro599Ser (NM_001173425.2); c.742C>T, p.Pro248Ser (NM_001346890.1); short protein forms P248S, P599S, P216S.
Identifiers: ClinVar variation 1492202 (VCV001492202.8), dbSNP rs748473403, ClinGen allele CA5205816.